The following is an entry in ClinVar:

NM_004341.5(CAD):c.10del (p.Ala3_Leu4insTer)

Gene: CAD (carbamoyl-phosphate synthetase 2, aspartate transcarbamylase, and dihydroorotase; plus strand). Cytogenetic location: 2p23.3.
Variant type: Deletion.
Coding change: c.10del on transcript NM_004341.5 (MANE Select); coding-DNA position 10, one base deleted (C; older notation c.10delC).
Protein change: p.Ala3_Leu4insTer.
Molecular consequence: nonsense.
Genome position (GRCh38, 1-based): chr2:27,217,561, C deleted; the last of 3 consecutive C bases (chr2:27,217,559-27,217,561); deleting any one gives the same sequence. VCF-style (leftmost placement, unchanged base first): chr2-27217558-GC-G. GRCh37 (hg19) VCF-style: chr2-27440426-GC-G.
Other names: c.10del, p.Ala3_Leu4insTer (NM_001306079.2).
Identifiers: ClinVar variation 4717842 (VCV004717842.1).

ClinVar aggregate classification (germline): Pathogenic (1 of 4 stars; one submission).

Submission:

Labcorp Genetics (formerly Invitae), Labcorp
Classification: Pathogenic. Last evaluated: 2025-04-18. Review status: criteria provided, single submitter. Criteria: Invitae Variant Classification Sherloc (09022015). Collection method: clinical testing. Allele origin: germline.
Comment: This sequence change creates a premature translational stop signal (p.Leu4*) in the CAD gene. It is expected to result in an absent or disrupted protein product. Loss-of-function variants in CAD are known to be pathogenic (PMID: 28007989, 32117025, 32820246, 33497533). This variant is not present in population databases (gnomAD no frequency). This variant has not been reported in the literature in individuals affected with CAD-related conditions. For these reasons, this variant has been classified as Pathogenic.

Literature cited by the submitters: PubMed 28007989; PubMed 32117025; PubMed 32820246; PubMed 33497533.